The following is an entry in ClinVar:

ClinVar aggregate classification (germline): Benign. Review status: criteria provided, multiple submitters, no conflicts (2 of 4 stars). 2 submissions from 2 submitters: Benign (2). Last evaluated 2018-01-13.

Conditions:
Cutis laxa with osteodystrophy (ARCL2A). Also called: Debré-Type Cutis Laxa; CUTIS LAXA WITH CONGENITAL DISORDER OF GLYCOSYLATION; CUTIS LAXA, AUTOSOMAL RECESSIVE, TYPE IIA; CUTIS LAXA WITH BONE DYSTROPHY; CUTIS LAXA WITH GROWTH AND DEVELOPMENTAL DELAY; CUTIS LAXA WITH JOINT LAXITY AND RETARDED DEVELOPMENT. Identifiers: Orphanet 357058, MedGen C0268355, MONDO:0018163, OMIM 219200. Disease mechanism: loss of function.

Allele frequency attached by ClinVar (database versions not stated): 1000 Genomes Project 0.02835; 1000 Genomes Project 30x 0.02920; gnomAD 0.02183; TOPMed 0.02352.

Submissions (2):

Illumina Laboratory Services, Illumina
Classification: Benign for Cutis laxa with osteodystrophy. Last evaluated: 2018-01-13. Review status: criteria provided, single submitter. Criteria: ICSL Variant Classification Criteria 13 December 2019. Collection method: clinical testing. Allele origin: germline.
Comment: This variant was observed in the ICSL laboratory as part of a predisposition screen in an ostensibly healthy population. It had not been previously curated by ICSL or reported in the Human Gene Mutation Database (HGMD: prior to June 1st, 2018), and was therefore a candidate for classification through an automated scoring system. Utilizing variant allele frequency, disease prevalence and penetrance estimates, and inheritance mode, an automated score was calculated to assess if this variant is too frequent to cause the disease. Based on the score and internal cut-off values, a variant classified as benign is not then subjected to further curation. The score for this variant resulted in a classification of benign for this disease.

Breakthrough Genomics
Classification: Benign. Review status: criteria provided, single submitter. Criteria: ACMG Guidelines, 2015. Collection method: not provided. Allele origin: germline. Inheritance: Autosomal recessive inheritance. Affected: yes.

NM_012463.4(ATP6V0A2):c.*2877T>A

Gene: ATP6V0A2 (ATPase H+ transporting V0 subunit a2; plus strand). Cytogenetic location: 12q24.31.
Variant type: single nucleotide variant.
Coding change: c.*2877T>A on transcript NM_012463.4 (MANE Select); 2877 bases downstream of the stop codon, T replaced by A.
Molecular consequence: 3 prime UTR variant.
Genome position (GRCh38, 1-based): chr12:123,760,909, T>A. VCF-style: chr12-123760909-T-A. GRCh37 (hg19) VCF-style: chr12-124245456-T-A.
Identifiers: ClinVar variation 307633 (VCV000307633.6), dbSNP rs77765053, ClinGen allele CA10636760.